The following is an entry in ClinVar:

ClinVar aggregate classification (germline): Uncertain significance. Review status: criteria provided, multiple submitters, no conflicts (2 of 4 stars). 2 submissions from 2 submitters: Uncertain significance (2). Last evaluated 2023-12-14.

Conditions:
Hereditary spastic paraplegia 11. Also called: SPASTIC PARAPLEGIA, AUTOSOMAL RECESSIVE, COMPLICATED, WITH THIN CORPUS CALLOSUM; SPASTIC PARAPLEGIA, AUTOSOMAL RECESSIVE, WITH MENTAL IMPAIRMENT AND THIN CORPUS CALLOSUM; Nakamura Osame syndrome; Autosomal recessive hereditary spastic paraplegia, mental impairment, and thin corpus callosum; Spastic Paraplegia 11; Spastic paraplegia, mental retardation and thin corpus callosum. Identifiers: Orphanet 2822, MedGen C1858479, MONDO:0011445, OMIM 604360.
Inborn genetic diseases. Identifiers: MedGen C0950123, MeSH D030342.

Submissions (2):

Ambry Genetics
Classification: Uncertain significance for Inborn genetic diseases. Last evaluated: 2023-12-14. Review status: criteria provided, single submitter. Criteria: Ambry Variant Classification Scheme 2023. Collection method: clinical testing. Allele origin: germline.

Labcorp Genetics (formerly Invitae), Labcorp
Classification: Uncertain significance for Hereditary spastic paraplegia 11. Last evaluated: 2021-12-07. Review status: criteria provided, single submitter. Criteria: Invitae Variant Classification Sherloc (09022015). Collection method: clinical testing. Allele origin: germline.
Comment: This sequence change replaces leucine, which is neutral and non-polar, with phenylalanine, which is neutral and non-polar, at codon 1776 of the SPG11 protein (p.Leu1776Phe). This variant is not present in population databases (gnomAD no frequency). This variant has not been reported in the literature in individuals affected with SPG11-related conditions. Algorithms developed to predict the effect of missense changes on protein structure and function are either unavailable or do not agree on the potential impact of this missense change (SIFT: "Tolerated"; PolyPhen-2: "Probably Damaging"; Align-GVGD: "Class C0"). In summary, the available evidence is currently insufficient to determine the role of this variant in disease. Therefore, it has been classified as a Variant of Uncertain Significance.

NM_025137.4(SPG11):c.5326C>T (p.Leu1776Phe)

Gene: SPG11 (SPG11 vesicle trafficking associated, spatacsin; minus strand). Cytogenetic location: 15q21.1.
Variant type: single nucleotide variant.
Coding change: c.5326C>T on transcript NM_025137.4 (MANE Select); coding-DNA position 5326, C replaced by T.
Protein change: p.Leu1776Phe; replaces leucine 1776 with phenylalanine.
Molecular consequence: missense variant.
Genome position (GRCh38, 1-based): chr15:44,584,354, G>A on the plus strand (C>T on the coding strand, the complement: SPG11 is on the minus strand). VCF-style: chr15-44584354-G-A. GRCh37 (hg19) VCF-style: chr15-44876552-G-A.
Other names: c.5326C>T, p.Leu1776Phe (NM_001160227.2); c.5182C>T, p.Leu1728Phe (NM_001411132.1); c.5326C>T (NM_025137.3); short protein forms L1776F, L1728F.
Identifiers: ClinVar variation 2037072 (VCV002037072.5), dbSNP rs2505292795, ClinGen allele CA392222789.
Genomic context (GRCh38, chr15:44,584,354, plus strand): 5'-CCTCCAGCTTATCCAAGGGCACCACGTCCTCCTGGGCAAGCCAGTGCCCTGCCAAGGTGA[G>A]CAGCAGATGGCGCTCCTCCATGCTGCTCCATCCAGTTGGGTGCTCACATGCCACATGGGC-3'
Protein context (NP_079413.3, residues 1766-1786): WSSMEERHLL[Leu1776Phe]TLAGHWLAQE